The following is an entry in ClinVar:

ClinVar aggregate classification (germline): Uncertain significance (1 of 4 stars; one submission).

Conditions:
Mowat-Wilson syndrome (MOWS). Also called: Classic Mowat-Wilson Syndrome. Identifiers: Orphanet 2152, MedGen C1856113, MONDO:0009341, OMIM 235730.

Allele frequency attached by ClinVar (database versions not stated): TOPMed 0.00001.

Submission:

Labcorp Genetics (formerly Invitae), Labcorp
Classification: Uncertain significance for Mowat-Wilson syndrome. Last evaluated: 2018-11-13. Review status: criteria provided, single submitter. Criteria: Invitae Variant Classification Sherloc (09022015). Collection method: clinical testing. Allele origin: germline.
Comment: In summary, the available evidence is currently insufficient to determine the role of this variant in disease. Therefore, it has been classified as a Variant of Uncertain Significance. Algorithms developed to predict the effect of missense changes on protein structure and function do not agree on the potential impact of this missense change (SIFT: "Deleterious"; PolyPhen-2: "Possibly Damaging"; Align-GVGD: "Class C0"). This variant has not been reported in the literature in individuals with ZEB2-related disease. This variant is not present in population databases (ExAC no frequency). This sequence change replaces glutamic acid with glycine at codon 1200 of the ZEB2 protein (p.Glu1200Gly). The glutamic acid residue is highly conserved and there is a moderate physicochemical difference between glutamic acid and glycine.

NM_014795.4(ZEB2):c.3599A>G (p.Glu1200Gly)

Gene: ZEB2 (zinc finger E-box binding homeobox 2; minus strand). Cytogenetic location: 2q22.3.
Variant type: single nucleotide variant.
Coding change: c.3599A>G on transcript NM_014795.4 (MANE Select); coding-DNA position 3599, A replaced by G.
Protein change: p.Glu1200Gly; replaces glutamic acid 1200 with glycine.
Molecular consequence: missense variant.
Genome position (GRCh38, 1-based): chr2:144,389,497, T>C on the plus strand (A>G on the coding strand, the complement: ZEB2 is on the minus strand). VCF-style: chr2-144389497-T-C. GRCh37 (hg19) VCF-style: chr2-145147064-T-C.
Other names: c.3527A>G, p.Glu1176Gly (NM_001171653.2); short protein forms E1200G, E1176G.
Identifiers: ClinVar variation 574019 (VCV000574019.9), dbSNP rs1273805127, ClinGen allele CA348698647.